The following is an entry in ClinVar:

NM_002334.4(LRP4):c.1309+5G>C

Gene: LRP4 (LDL receptor related protein 4; minus strand). Cytogenetic location: 11p11.2.
Variant type: single nucleotide variant.
Coding change: c.1309+5G>C on transcript NM_002334.4 (MANE Select); 5 bases into the intron after coding-DNA position 1309, G replaced by C.
Molecular consequence: intron variant.
Genome position (GRCh38, 1-based): chr11:46,895,161, C>G on the plus strand (G>C on the coding strand, the complement: LRP4 is on the minus strand). VCF-style: chr11-46895161-C-G. GRCh37 (hg19) VCF-style: chr11-46916712-C-G.
Identifiers: ClinVar variation 1898008 (VCV001898008.3), dbSNP rs755836668, ClinGen allele CA5970196.
Genomic context (GRCh38, chr11:46,895,161, plus strand): 5'-AGAGTACCTGGCCTTCCTCCATGCTCGGCCCTCTGCCCACCCAGCCAAGTGCCAACAGCC[C>G]TTACCCAGAGCCTTGCAGCTGCGCCGGTCGGGCCGTAGTTCATAGCCTGTTTCACACCAG-3'

ClinVar aggregate classification (germline): Uncertain significance (1 of 4 stars; one submission).

Conditions:
Congenital myasthenic syndrome 17. Identifiers: Orphanet 590, MedGen C4225377, MONDO:0014578, OMIM 616304.
Sclerosteosis 2 (SOST2). Identifiers: Orphanet 3152, MedGen C3280402, MONDO:0013679, OMIM 614305.
Cenani-Lenz syndactyly syndrome. Also called: SYNDACTYLY, TYPE VII; CENANI SYNDACTYLISM. Identifiers: Orphanet 3258, MedGen C1859309, MONDO:0008931, OMIM 212780.

Allele frequency attached by ClinVar (database versions not stated): gnomAD exomes below 0.00001; ExAC 0.00001; TOPMed 0.00003.
gnomAD v4.1: 6 of 1,613,880 alleles (0.00037%); highest among the groups gnomAD compares: East Asian, 0.0045%; no homozygotes.

Submission:

Labcorp Genetics (formerly Invitae), Labcorp
Classification: Uncertain significance for Cenani-Lenz syndactyly syndrome; Sclerosteosis 2; Congenital myasthenic syndrome 17. Last evaluated: 2021-12-15. Review status: criteria provided, single submitter. Criteria: Invitae Variant Classification Sherloc (09022015). Collection method: clinical testing. Allele origin: germline.
Comment: In summary, the available evidence is currently insufficient to determine the role of this variant in disease. Therefore, it has been classified as a Variant of Uncertain Significance. Variants that disrupt the consensus splice site are a relatively common cause of aberrant splicing (PMID: 17576681, 9536098). Algorithms developed to predict the effect of sequence changes on RNA splicing suggest that this variant may disrupt the consensus splice site. This variant has not been reported in the literature in individuals affected with LRP4-related conditions. This variant is present in population databases (rs755836668, gnomAD 0.01%). This sequence change falls in intron 11 of the LRP4 gene. It does not directly change the encoded amino acid sequence of the LRP4 protein. It affects a nucleotide within the consensus splice site.

Literature cited by the submitters: PubMed 17576681; PubMed 9536098.